The following is an entry in ClinVar:

ClinVar aggregate classification (germline): Conflicting classifications of pathogenicity. Review status: criteria provided, conflicting classifications (1 of 4 stars). 2 submissions from 2 submitters: Uncertain significance (1); Likely benign (1). Last evaluated 2025-10-03.

Conditions:
Inborn genetic diseases. Identifiers: MedGen C0950123, MeSH D030342.

Allele frequency attached by ClinVar (database versions not stated): gnomAD exomes 0.00004 and 0.00006; ExAC 0.00008; ESP Exome Variant Server 0.00008; TOPMed 0.00014; gnomAD 0.00015 and 0.00017; 1000 Genomes Project 0.00020; 1000 Genomes Project 30x 0.00031.
gnomAD v4.1: 78 of 1,614,122 alleles (0.0048%); highest among the groups gnomAD compares: East Asian, 0.051%; no homozygotes.

Submissions (2):

Labcorp Genetics (formerly Invitae), Labcorp
Classification: Uncertain significance. Last evaluated: 2025-10-03. Review status: criteria provided, single submitter. Criteria: Invitae Variant Classification Sherloc (09022015). Collection method: clinical testing. Allele origin: germline.
Comment: This sequence change replaces threonine, which is neutral and polar, with alanine, which is neutral and non-polar, at codon 305 of the EXTL3 protein (p.Thr305Ala). This variant is present in population databases (rs199831414, gnomAD 0.04%). This variant has not been reported in the literature in individuals affected with EXTL3-related conditions. ClinVar contains an entry for this variant (Variation ID: 1424944). Invitae Evidence Modeling of protein sequence and biophysical properties (such as structural, functional, and spatial information, amino acid conservation, physicochemical variation, residue mobility, and thermodynamic stability) indicates that this missense variant is not expected to disrupt EXTL3 protein function with a negative predictive value of 80%. In summary, the available evidence is currently insufficient to determine the role of this variant in disease. Therefore, it has been classified as a Variant of Uncertain Significance.

Ambry Genetics
Classification: Likely benign for Inborn genetic diseases. Last evaluated: 2021-07-26. Review status: criteria provided, single submitter. Criteria: Ambry Variant Classification Scheme 2023. Collection method: clinical testing. Allele origin: germline.

NM_001440.4(EXTL3):c.913A>G (p.Thr305Ala)

Gene: EXTL3 (exostosin like glycosyltransferase 3; plus strand). Cytogenetic location: 8p21.1.
Variant type: single nucleotide variant.
Coding change: c.913A>G on transcript NM_001440.4 (MANE Select); coding-DNA position 913, A replaced by G.
Protein change: p.Thr305Ala; replaces threonine 305 with alanine.
Molecular consequence: missense variant.
Genome position (GRCh38, 1-based): chr8:28,716,972, A>G. VCF-style: chr8-28716972-A-G. GRCh37 (hg19) VCF-style: chr8-28574489-A-G.
Other names: c.913A>G (NM_001440.2); short protein forms T305A.
Identifiers: ClinVar variation 1424944 (VCV001424944.5), dbSNP rs199831414, ClinGen allele CA4696088.
Genomic context (GRCh38, chr8:28,716,972, plus strand): 5'-CAGAACCTTCTCTATAACGTCAGTACTGGCCGTGCCATGGTGGCCCAGTCCACCTTCTAC[A>G]CTGTCCAGTACAGACCTGGCTTTGACTTGGTCGTATCACCGCTGGTCCATGCCATGTCTG-3'
Protein context (NP_001431.1, residues 295-315): RAMVAQSTFY[Thr305Ala]VQYRPGFDLV